The following is an entry in ClinVar:

ClinVar aggregate classification (germline): Uncertain significance. Review status: criteria provided, multiple submitters, no conflicts (2 of 4 stars). 2 submissions from 2 submitters: Uncertain significance (2). Last evaluated 2022-09-01.

Conditions:
Factor V deficiency. Also called: Reduced coagulation factor V activity. Identifiers: Orphanet 326, MedGen C4317320, MONDO:0020586, HP:0003225.

Submissions (2):

3billion
Classification: Uncertain significance for Congenital factor V deficiency. Last evaluated: 2022-09-01. Review status: criteria provided, single submitter. Criteria: ACMG Guidelines, 2015. Collection method: clinical testing. Allele origin: germline. Affected: yes. Observed: 1 homozygote.
Comment: The variant is not observed in the gnomAD v2.1.1 dataset. In silico tool predictions suggest damaging effect of the variant on gene or gene product (REVEL: 0.96; 3Cnet: 0.96). Same nucleotide change resulting in same amino acid change has been previously reported to be associated with F5-related disorder (PMID: 31268865). However, the evidence of pathogenicity is insufficient at this time. Therefore, this variant is classified as uncertain significance according to the recommendation of ACMG/AMP guideline.

Genomic Medicine Center of Excellence, King Faisal Specialist Hospital and Research Centre
Classification: Uncertain significance for Congenital factor V deficiency. Last evaluated: 2021-04-28. Review status: criteria provided, single submitter. Criteria: ACMG Guidelines, 2015. Collection method: research. Allele origin: germline.

Literature cited by the submitters: PubMed 31268865 (cited by 3billion).

NM_000130.5(F5):c.6010T>C (p.Trp2004Arg)

Gene: F5 (coagulation factor V; minus strand). Cytogenetic location: 1q24.2.
Variant type: single nucleotide variant.
Coding change: c.6010T>C on transcript NM_000130.5 (MANE Select); coding-DNA position 6010, T replaced by C.
Protein change: p.Trp2004Arg; replaces tryptophan 2004 with arginine.
Molecular consequence: missense variant.
Genome position (GRCh38, 1-based): chr1:169,523,235, A>G on the plus strand (T>C on the coding strand, the complement: F5 is on the minus strand). VCF-style: chr1-169523235-A-G. GRCh37 (hg19) VCF-style: chr1-169492473-A-G.
Other names: short protein forms W2004R.
Identifiers: ClinVar variation 1098453 (VCV001098453.3), dbSNP rs2101806568, ClinGen allele CA343122830.